The following is an entry in ClinVar:

NM_001256071.3(RNF213):c.14974A>G (p.Met4992Val)

Genes: RNF213 (ring finger protein 213; plus strand), RNF213-AS1 (RNF213 antisense RNA 1; minus strand). Cytogenetic location: 17q25.3.
Variant type: single nucleotide variant.
Coding change: c.14974A>G on transcript NM_001256071.3 (MANE Select); coding-DNA position 14974, A replaced by G.
Protein change: p.Met4992Val; replaces methionine 4992 with valine.
Molecular consequence: missense variant.
Genome position (GRCh38, 1-based): chr17:80,388,663, A>G. VCF-style: chr17-80388663-A-G. GRCh37 (hg19) VCF-style: chr17-78362463-A-G.
Other names: c.15121A>G, p.Met5041Val (NM_001410195.1, NM_020914.5); short protein forms M4992V, M5041V.
Identifiers: ClinVar variation 4760552 (VCV004760552.1).

ClinVar aggregate classification (germline): Uncertain significance (1 of 4 stars; one submission).

gnomAD v4.1: 6 of 1,612,268 alleles (0.00037%); highest among the groups gnomAD compares: Middle Eastern, 0.018%; no homozygotes.

Submission:

Labcorp Genetics (formerly Invitae), Labcorp
Classification: Uncertain significance. Last evaluated: 2025-11-12. Review status: criteria provided, single submitter. Criteria: Invitae Variant Classification Sherloc (09022015). Collection method: clinical testing. Allele origin: germline.
Comment: This sequence change replaces methionine, which is neutral and non-polar, with valine, which is neutral and non-polar, at codon 4992 of the RNF213 protein (p.Met4992Val). This variant is present in population databases (rs747883098, gnomAD 0.003%). This variant has not been reported in the literature in individuals affected with RNF213-related conditions. Invitae Evidence Modeling of protein sequence and biophysical properties (such as structural, functional, and spatial information, amino acid conservation, physicochemical variation, residue mobility, and thermodynamic stability) indicates that this missense variant is not expected to disrupt RNF213 protein function with a negative predictive value of 95%. In summary, the available evidence is currently insufficient to determine the role of this variant in disease. Therefore, it has been classified as a Variant of Uncertain Significance.